The following is an entry in ClinVar:

ClinVar aggregate classification (germline): Uncertain significance. Review status: criteria provided, multiple submitters, no conflicts (2 of 4 stars). 4 submissions from 4 submitters: Uncertain significance (4). Last evaluated 2025-12-09.

Conditions:
Familial melanoma. Also called: Hereditary melanoma; Hereditary cutaneous melanoma. Identifiers: Orphanet 618, MedGen C1512419, MONDO:0018961.
Hereditary cancer-predisposing syndrome. Also called: Tumor predisposition; Hereditary Cancer Syndrome; Neoplastic Syndromes, Hereditary; Hereditary neoplastic syndrome. Identifiers: Orphanet 140162, MedGen C0027672, MeSH D009386, MONDO:0015356.

Allele frequency attached by ClinVar (database versions not stated): gnomAD exomes 0.00001.
gnomAD v4.1: 7 of 1,612,166 alleles (0.00043%); highest among the groups gnomAD compares: Non-Finnish European, 0.00059%; no homozygotes.

Submissions (4):

Labcorp Genetics (formerly Invitae), Labcorp
Classification: Uncertain significance for Familial melanoma. Last evaluated: 2025-12-09. Review status: criteria provided, single submitter. Criteria: Invitae Variant Classification Sherloc (09022015). Collection method: clinical testing. Allele origin: germline.
Comment: This sequence change replaces alanine, which is neutral and non-polar, with serine, which is neutral and polar, at codon 40 of the CDKN2A (p16INK4a) protein (p.Ala40Ser). This variant is not present in population databases (gnomAD no frequency). This variant has not been reported in the literature in individuals affected with CDKN2A (p16INK4a)-related conditions. ClinVar contains an entry for this variant (Variation ID: 491563). An algorithm developed to predict the effect of missense changes on protein structure and function (PolyPhen-2) suggests that this variant is likely to be disruptive. In summary, the available evidence is currently insufficient to determine the role of this variant in disease. Therefore, it has been classified as a Variant of Uncertain Significance.

Color Diagnostics, LLC DBA Color Health
Classification: Uncertain significance for Hereditary cancer-predisposing syndrome. Last evaluated: 2025-11-25. Review status: criteria provided, single submitter. Criteria: ACMG Guidelines, 2015. Collection method: clinical testing. Allele origin: germline.
Comment: The CDKN2A locus encodes two different gene products, p16INK4a and p14ARF. This variant is located in the CDKN2A (p16INK4A) protein. To our knowledge, functional studies have not been reported for this variant. This variant has not been reported in individuals affected with CDKN2A-related disorders in the literature. This variant has been identified in 7/1612166 chromosomes in the general population by the Genome Aggregation Database (gnomAD). The available evidence is insufficient to determine the role of this variant in disease conclusively. Therefore, this variant is classified as a Variant of Uncertain Significance.

GeneDx
Classification: Uncertain significance. Last evaluated: 2024-12-09. Review status: criteria provided, single submitter. Criteria: GeneDx Variant Classification Process June 2021. Collection method: clinical testing. Allele origin: germline. Affected: yes.
Comment: Not observed at significant frequency in large population cohorts (gnomAD); In silico analysis indicates that this missense variant does not alter protein structure/function; Has not been previously published as pathogenic or benign to our knowledge

Ambry Genetics
Classification: Uncertain significance for Hereditary cancer-predisposing syndrome. Last evaluated: 2024-11-05. Review status: criteria provided, single submitter. Criteria: Ambry Variant Classification Scheme 2023. Collection method: clinical testing. Allele origin: germline.
Comment: The p.A40S variant (also known as c.118G>T), located in coding exon 1 of the CDKN2A gene, results from a G to T substitution at nucleotide position 118. The alanine at codon 40 is replaced by serine, an amino acid with similar properties. This amino acid position is not well conserved in available vertebrate species. In addition, the in silico prediction for this alteration is inconclusive. Since supporting evidence is limited at this time, the clinical significance of this alteration remains unclear.

NM_000077.5(CDKN2A):c.118G>T (p.Ala40Ser)

Gene: CDKN2A (cyclin dependent kinase inhibitor 2A; minus strand). Cytogenetic location: 9p21.3.
Variant type: single nucleotide variant.
Coding change: c.118G>T on transcript NM_000077.5; coding-DNA position 118, G replaced by T.
Protein change: p.Ala40Ser; replaces alanine 40 with serine.
Molecular consequence: missense variant (on NM_000077.6). On other transcripts: intron variant (2).
Genome position (GRCh38, 1-based): chr9:21,974,710, C>A on the plus strand (G>T on the coding strand, the complement: CDKN2A is on the minus strand). VCF-style: chr9-21974710-C-A. GRCh37 (hg19) VCF-style: chr9-21974709-C-A.
Other names: c.118G>T, p.Ala40Ser (NM_000077.6, NM_001195132.2, NM_058197.5); c.-3-3502G>T (NM_001363763.2); c.194-3502G>T (NM_058195.4); short protein forms A40S.
Identifiers: ClinVar variation 491563 (VCV000491563.23), dbSNP rs1554656295, ClinGen allele CA373086533.